The following is an entry in ClinVar:

NM_001271.4(CHD2):c.1349C>T (p.Ser450Leu)

Gene: CHD2 (chromodomain helicase DNA binding protein 2; plus strand). Cytogenetic location: 15q26.1.
Variant type: single nucleotide variant.
Coding change: c.1349C>T on transcript NM_001271.4 (MANE Select); coding-DNA position 1349, C replaced by T.
Protein change: p.Ser450Leu; replaces serine 450 with leucine.
Molecular consequence: missense variant.
Genome position (GRCh38, 1-based): chr15:92,946,188, C>T. VCF-style: chr15-92946188-C-T. GRCh37 (hg19) VCF-style: chr15-93489418-C-T.
Other names: c.1349C>T, p.Ser450Leu (NM_001042572.3); short protein forms S450L.
Identifiers: ClinVar variation 3361675 (VCV003361675.2).

ClinVar aggregate classification (germline): Uncertain significance (1 of 4 stars; one submission).

gnomAD v4.1: 2 of 1,611,622 alleles (0.00012%); highest among the groups gnomAD compares: Non-Finnish European, 0.00017%; no homozygotes.

Submission:

GeneDx
Classification: Uncertain significance. Last evaluated: 2026-03-19. Review status: criteria provided, single submitter. Criteria: GeneDx Variant Classification Process June 2021. Collection method: clinical testing. Allele origin: germline.
Comment: In silico analysis supports that this missense variant has a deleterious effect on protein structure/function; Has not been previously published as pathogenic or benign to our knowledge